The following is an entry in ClinVar:

ClinVar aggregate classification (germline): Uncertain significance (1 of 4 stars; one submission).

Submission:

GeneDx
Classification: Uncertain significance. Last evaluated: 2025-03-10. Review status: criteria provided, single submitter. Criteria: GeneDx Variant Classification Process June 2021. Collection method: clinical testing. Allele origin: germline. Affected: yes.
Comment: Not observed at significant frequency in large population cohorts (gnomAD); In silico analysis indicates that this missense variant does not alter protein structure/function; Has not been previously published as pathogenic or benign to our knowledge

NM_002516.4(NOVA2):c.1461C>G (p.Asn487Lys)

Gene: NOVA2 (NOVA alternative splicing regulator 2; minus strand). Cytogenetic location: 19q13.32.
Variant type: single nucleotide variant.
Coding change: c.1461C>G on transcript NM_002516.4 (MANE Select); coding-DNA position 1461, C replaced by G.
Protein change: p.Asn487Lys; replaces asparagine 487 with lysine.
Molecular consequence: missense variant.
Genome position (GRCh38, 1-based): chr19:45,939,881, G>C on the plus strand (C>G on the coding strand, the complement: NOVA2 is on the minus strand). VCF-style: chr19-45939881-G-C. GRCh37 (hg19) VCF-style: chr19-46443139-G-C.
Other names: short protein forms N487K.
Identifiers: ClinVar variation 4083129 (VCV004083129.1).
Genomic context (GRCh38, chr19:45,939,881, plus strand): 5'-AGATGGGAGGAGAGAAAAGGGTGGGAGCACACACCACAGGCCTCATCCCACTTTCTGGGG[G>C]TTTGAGGCCCTCACTCCCTGCTCGTAGGTGACCCGCTGACTGATGAGGTATTGAGCGGCT-3'
Protein context (NP_002507.1, residues 477-492): VTYEQGVRAS[Asn487Lys]PQKVG